The following is an entry in ClinVar:

ClinVar aggregate classification (germline): Uncertain significance. Review status: criteria provided, multiple submitters, no conflicts (2 of 4 stars). 3 submissions from 3 submitters: Uncertain significance (3). Last evaluated 2025-04-11.

Conditions:
Inborn genetic diseases. Identifiers: MedGen C0950123, MeSH D030342.

Allele frequency attached by ClinVar (database versions not stated): gnomAD exomes below 0.00001; gnomAD 0.00001.
gnomAD v4.1: 4 of 1,613,360 alleles (0.00025%); highest among the groups gnomAD compares: Non-Finnish European, 0.00034%; no homozygotes.

Submissions (3):

Labcorp Genetics (formerly Invitae), Labcorp
Classification: Uncertain significance. Last evaluated: 2025-04-11. Review status: criteria provided, single submitter. Criteria: Invitae Variant Classification Sherloc (09022015). Collection method: clinical testing. Allele origin: germline.
Comment: This sequence change replaces isoleucine, which is neutral and non-polar, with valine, which is neutral and non-polar, at codon 897 of the SAMD9 protein (p.Ile897Val). This variant is present in population databases (no rsID available, gnomAD 0.002%). This variant has not been reported in the literature in individuals affected with SAMD9-related conditions. ClinVar contains an entry for this variant (Variation ID: 1810706). Invitae Evidence Modeling of protein sequence and biophysical properties (such as structural, functional, and spatial information, amino acid conservation, physicochemical variation, residue mobility, and thermodynamic stability) indicates that this missense variant is not expected to disrupt SAMD9 protein function with a negative predictive value of 95%. In summary, the available evidence is currently insufficient to determine the role of this variant in disease. Therefore, it has been classified as a Variant of Uncertain Significance.

Ambry Genetics
Classification: Uncertain significance for Inborn genetic diseases. Last evaluated: 2025-02-13. Review status: criteria provided, single submitter. Criteria: Ambry Variant Classification Scheme 2023. Collection method: clinical testing. Allele origin: germline.
Comment: The p.I897V variant (also known as c.2689A>G), located in coding exon 1 of the SAMD9 gene, results from an A to G substitution at nucleotide position 2689. The isoleucine at codon 897 is replaced by valine, an amino acid with highly similar properties. This amino acid position is conserved. In addition, this alteration is predicted to be tolerated by in silico analysis. Based on the available evidence, the clinical significance of this variant remains unclear.

GeneDx
Classification: Uncertain significance. Last evaluated: 2023-07-13. Review status: criteria provided, single submitter. Criteria: GeneDx Variant Classification Process June 2021. Collection method: clinical testing. Allele origin: germline.
Comment: Not observed at significant frequency in large population cohorts (gnomAD); In silico analysis supports that this missense variant does not alter protein structure/function; Has not been previously published as pathogenic or benign to our knowledge; This variant is associated with the following publications: (PMID: 28545555)

NM_017654.4(SAMD9):c.2689A>G (p.Ile897Val)

Gene: SAMD9 (sterile alpha motif domain containing 9; minus strand). Cytogenetic location: 7q21.2.
Variant type: single nucleotide variant.
Coding change: c.2689A>G on transcript NM_017654.4 (MANE Select); coding-DNA position 2689, A replaced by G.
Protein change: p.Ile897Val; replaces isoleucine 897 with valine.
Molecular consequence: missense variant.
Genome position (GRCh38, 1-based): chr7:93,103,409, T>C on the plus strand (A>G on the coding strand, the complement: SAMD9 is on the minus strand). VCF-style: chr7-93103409-T-C. GRCh37 (hg19) VCF-style: chr7-92732722-T-C.
Other names: c.2689A>G, p.Ile897Val (NM_001193307.2); short protein forms I897V.
Identifiers: ClinVar variation 1810706 (VCV001810706.5), dbSNP rs1417279425, ClinGen allele CA368189759.